The following is an entry in ClinVar:

ClinVar aggregate classification (germline): Uncertain significance (1 of 4 stars; one submission).

Conditions:
REST-related disorder. Also called: REST-related condition.

gnomAD v4.1: 1 of 1,613,596 alleles (0.000062%); highest among the groups gnomAD compares: Non-Finnish European, 0.000085%; no homozygotes.

Submission:

PreventionGenetics, part of Exact Sciences
Classification: Uncertain significance for REST-related condition. Last evaluated: 2025-01-02. Review status: criteria provided, single submitter. Criteria: ACMG Guidelines, 2015. Collection method: clinical testing. Allele origin: germline.
Comment: The REST c.878A>G variant is predicted to result in the amino acid substitution p.Gln293Arg. This variant has been reported as a de novo variant in large cohort studies of individuals with developmental disorders (Kaplanis et al. 2020. PubMed ID: 33057194; Zhou et al. 2022. PubMed ID: 35982159). This variant has not been reported in a large population database (gnomAD), indicating this variant is rare. Although we suspect that this variant may be pathogenic, at this time, the clinical significance of this variant is uncertain due to the absence of conclusive functional and genetic evidence.

NM_005612.5(REST):c.878A>G (p.Gln293Arg)

Gene: REST (RE1 silencing transcription factor; plus strand). Cytogenetic location: 4q12.
Variant type: single nucleotide variant.
Coding change: c.878A>G on transcript NM_005612.5 (MANE Select); coding-DNA position 878, A replaced by G.
Protein change: p.Gln293Arg; replaces glutamine 293 with arginine.
Molecular consequence: missense variant.
Genome position (GRCh38, 1-based): chr4:56,911,516, A>G. VCF-style: chr4-56911516-A-G. GRCh37 (hg19) VCF-style: chr4-57777682-A-G.
Other names: c.878A>G, p.Gln293Arg (NM_001193508.2, NM_001363453.3, NM_001440532.1 and 1 more transcripts); short protein forms Q293R.
Identifiers: ClinVar variation 4985363 (VCV004985363.1).